The following is an entry in ClinVar:

ClinVar aggregate classification (germline): Uncertain significance (1 of 4 stars; one submission).

Submission:

CeGaT Center for Human Genetics Tuebingen
Classification: Uncertain significance. Last evaluated: 2023-10-01. Review status: criteria provided, single submitter. Criteria: CeGaT Center For Human Genetics Tuebingen Variant Classification Criteria Version 2. Collection method: clinical testing. Allele origin: germline. Affected: yes. Observed: 1 variant allele.
Comment: ROR2: PM2, PM3, PP4

NM_004560.4(ROR2):c.1034C>G (p.Pro345Arg)

Gene: ROR2 (ROR family WNT receptor 2; minus strand). Cytogenetic location: 9q22.31.
Variant type: single nucleotide variant.
Coding change: c.1034C>G on transcript NM_004560.4 (MANE Select); coding-DNA position 1034, C replaced by G.
Protein change: p.Pro345Arg; replaces proline 345 with arginine.
Molecular consequence: missense variant.
Genome position (GRCh38, 1-based): chr9:91,731,059, G>C on the plus strand (C>G on the coding strand, the complement: ROR2 is on the minus strand). VCF-style: chr9-91731059-G-C. GRCh37 (hg19) VCF-style: chr9-94493341-G-C.
Other names: c.1034C>G, p.Pro345Arg (NM_001318204.2); short protein forms P345R.
Identifiers: ClinVar variation 2659301 (VCV002659301.24), dbSNP rs770408058, ClinGen allele CA373800179.